The following is an entry in ClinVar:

ClinVar aggregate classification (germline): Uncertain significance. Review status: criteria provided, multiple submitters, no conflicts (2 of 4 stars). 3 submissions from 3 submitters: Uncertain significance (2). 1 of the submissions does not count toward it. Last evaluated 2026-02-06.

Conditions:
Cardiovascular phenotype. Identifiers: MedGen CN230736.
ALMS1-related disorder. Also called: ALMS1-related condition.

Allele frequency attached by ClinVar (database versions not stated): gnomAD exomes below 0.00001.
gnomAD v4.1: 1 of 825,628 alleles (0.00012%); highest among the groups gnomAD compares: South Asian, 0.0016%; no homozygotes.

Submissions (3):

GeneDx
Classification: Uncertain significance. Last evaluated: 2026-02-06. Review status: criteria provided, single submitter. Criteria: GeneDx Variant Classification Process June 2021. Collection method: clinical testing. Allele origin: germline. Affected: yes.
Comment: Not observed at significant frequency in large population cohorts (gnomAD); In silico analysis suggests that this missense variant does not alter protein structure/function; Has not been previously published as pathogenic or benign to our knowledge

Ambry Genetics
Classification: Uncertain significance for Cardiovascular phenotype. Last evaluated: 2025-09-08. Review status: criteria provided, single submitter. Criteria: Ambry Variant Classification Scheme 2023. Collection method: clinical testing. Allele origin: germline.
Comment: The p.E17K variant (also known as c.49G>A), located in coding exon 1 of the ALMS1 gene, results from a G to A substitution at nucleotide position 49. The glutamic acid at codon 17 is replaced by lysine, an amino acid with similar properties. This amino acid position is highly conserved in available vertebrate species. In addition, the in silico prediction for this alteration is inconclusive. Since supporting evidence is limited at this time, the clinical significance of this alteration remains unclear.

PreventionGenetics, part of Exact Sciences
Classification: Uncertain significance for ALMS1-related condition. Last evaluated: 2024-09-19. Review status: no assertion criteria provided. Collection method: clinical testing. Allele origin: germline. Not counted in ClinVar's aggregate classification.
Comment: The ALMS1 c.49G>A variant is predicted to result in the amino acid substitution p.Glu17Lys. To our knowledge, this variant has not been reported in the literature or in a large population database, indicating this variant is rare. At this time, the clinical significance of this variant is uncertain due to the absence of conclusive functional and genetic evidence.

NM_001378454.1(ALMS1):c.46G>A (p.Glu16Lys)

Gene: ALMS1 (ALMS1 centrosome and basal body associated protein; plus strand). Cytogenetic location: 2p13.1.
Variant type: single nucleotide variant.
Coding change: c.46G>A on transcript NM_001378454.1 (MANE Select); coding-DNA position 46, G replaced by A.
Protein change: p.Glu16Lys; replaces glutamic acid 16 with lysine.
Molecular consequence: missense variant.
Genome position (GRCh38, 1-based): chr2:73,385,914, G>A. VCF-style: chr2-73385914-G-A. GRCh37 (hg19) VCF-style: chr2-73613042-G-A.
Other names: c.49G>A, p.Glu17Lys (NM_015120.4); short protein forms E16K, E17K.
Identifiers: ClinVar variation 1314995 (VCV001314995.8), dbSNP rs1174023229, ClinGen allele CA347250478.